The following is an entry in ClinVar:

ClinVar aggregate classification (germline): Uncertain significance. Review status: criteria provided, multiple submitters, no conflicts (2 of 4 stars). 2 submissions from 2 submitters: Uncertain significance (2). Last evaluated 2025-03-18.

gnomAD v4.1: 3 of 1,613,928 alleles (0.00019%); highest among the groups gnomAD compares: Non-Finnish European, 0.00025%; no homozygotes.

Submissions (2):

Women's Health and Genetics/Laboratory Corporation of America, LabCorp
Classification: Uncertain significance. Last evaluated: 2025-03-18. Review status: criteria provided, single submitter. Criteria: LabCorp Variant Classification Summary - May 2015. Collection method: clinical testing. Allele origin: germline.
Comment: Variant summary: SLC12A6 c.163A>G (p.Ser55Gly) results in a non-conservative amino acid change in the encoded protein sequence. Three of five in-silico tools predict a benign effect of the variant on protein function. The variant was absent in 249710 control chromosomes. The available data on variant occurrences in the general population are insufficient to allow any conclusion about variant significance. To our knowledge, no occurrence of c.163A>G in individuals affected with Agenesis of the corpus callosum with peripheral neuropathy and no experimental evidence demonstrating its impact on protein function have been reported. ClinVar contains an entry for this variant (Variation ID: 3705588). Based on the evidence outlined above, the variant was classified as uncertain significance.

Labcorp Genetics (formerly Invitae), Labcorp
Classification: Uncertain significance. Last evaluated: 2024-09-24. Review status: criteria provided, single submitter. Criteria: Invitae Variant Classification Sherloc (09022015). Collection method: clinical testing. Allele origin: germline.
Comment: This sequence change replaces serine, which is neutral and polar, with glycine, which is neutral and non-polar, at codon 55 of the SLC12A6 protein (p.Ser55Gly). This variant is not present in population databases (gnomAD no frequency). This variant has not been reported in the literature in individuals affected with SLC12A6-related conditions. Invitae Evidence Modeling of protein sequence and biophysical properties (such as structural, functional, and spatial information, amino acid conservation, physicochemical variation, residue mobility, and thermodynamic stability) indicates that this missense variant is not expected to disrupt SLC12A6 protein function with a negative predictive value of 95%. In summary, the available evidence is currently insufficient to determine the role of this variant in disease. Therefore, it has been classified as a Variant of Uncertain Significance.

NM_001365088.1(SLC12A6):c.163A>G (p.Ser55Gly)

Gene: SLC12A6 (solute carrier family 12 member 6; minus strand). Cytogenetic location: 15q14.
Variant type: single nucleotide variant.
Coding change: c.163A>G on transcript NM_001365088.1 (MANE Select); coding-DNA position 163, A replaced by G.
Protein change: p.Ser55Gly; replaces serine 55 with glycine.
Molecular consequence: missense variant. On other transcripts: 5 prime UTR variant (2).
Genome position (GRCh38, 1-based): chr15:34,336,518, T>C on the plus strand (A>G on the coding strand, the complement: SLC12A6 is on the minus strand). VCF-style: chr15-34336518-T-C. GRCh37 (hg19) VCF-style: chr15-34628719-T-C.
Other names: c.-15A>G (NM_001042494.2, NM_001042495.2); c.136A>G, p.Ser46Gly (NM_001042496.2); c.163A>G, p.Ser55Gly (NM_001042497.2, NM_133647.2); short protein forms S46G, S55G.
Identifiers: ClinVar variation 3705588 (VCV003705588.3).
Genomic context (GRCh38, chr15:34,336,518, plus strand): 5'-GTGCAACAGTTGCCAGCGAAGTGGTGGCCCCAGACATCTCACTCATAGGCTCACTCCGGC[T>C]TGTTTCAGGCACGCTTTCCCGGGAGCTAAATCTTACTCGGGAACTAGATCGAGAGCTGAG-3'
Protein context (NP_001352017.1, residues 45-65): FSSRESVPET[Ser55Gly]RSEPMSEMSG